The following is an entry in ClinVar:

ClinVar aggregate classification (germline): Uncertain significance (1 of 4 stars; one submission).

Conditions:
Hereditary cancer-predisposing syndrome. Also called: Hereditary Cancer Syndrome; Hereditary neoplastic syndrome; Neoplastic Syndromes, Hereditary; Tumor predisposition. Identifiers: Orphanet 140162, MedGen C0027672, MeSH D009386, MONDO:0015356.

Submission:

Ambry Genetics
Classification: Uncertain significance for Hereditary cancer-predisposing syndrome. Last evaluated: 2025-07-12. Review status: criteria provided, single submitter. Criteria: Ambry Variant Classification Scheme 2023. Collection method: clinical testing. Allele origin: germline.
Comment: The p.G754A variant (also known as c.2261G>C), located in coding exon 15 of the BRIP1 gene, results from a G to C substitution at nucleotide position 2261. The glycine at codon 754 is replaced by alanine, an amino acid with similar properties. This amino acid position is conserved. In addition, this alteration is predicted to be deleterious by in silico analysis. Based on the available evidence, the clinical significance of this variant remains unclear.

NM_032043.3(BRIP1):c.2261G>C (p.Gly754Ala)

Gene: BRIP1 (BRCA1 interacting DNA helicase 1; minus strand). Cytogenetic location: 17q23.2.
Variant type: single nucleotide variant.
Coding change: c.2261G>C on transcript NM_032043.3 (MANE Select); coding-DNA position 2261, G replaced by C.
Protein change: p.Gly754Ala; replaces glycine 754 with alanine.
Molecular consequence: missense variant.
Genome position (GRCh38, 1-based): chr17:61,743,131, C>G on the plus strand (G>C on the coding strand, the complement: BRIP1 is on the minus strand). VCF-style: chr17-61743131-C-G. GRCh37 (hg19) VCF-style: chr17-59820492-C-G.
Other names: short protein forms G754A.
Identifiers: ClinVar variation 4216255 (VCV004216255.1).